The following is an entry in ClinVar:

NM_017617.5(NOTCH1):c.3859C>A (p.Arg1287Ser)

Gene: NOTCH1 (notch receptor 1; minus strand). Cytogenetic location: 9q34.3.
Variant type: single nucleotide variant.
Coding change: c.3859C>A on transcript NM_017617.5 (MANE Select); coding-DNA position 3859, C replaced by A.
Protein change: p.Arg1287Ser; replaces arginine 1287 with serine.
Molecular consequence: missense variant.
Genome position (GRCh38, 1-based): chr9:136,506,758, G>T on the plus strand (C>A on the coding strand, the complement: NOTCH1 is on the minus strand). VCF-style: chr9-136506758-G-T. GRCh37 (hg19) VCF-style: chr9-139401210-G-T.
Other names: short protein forms R1287S.
Identifiers: ClinVar variation 4779216 (VCV004779216.1).

ClinVar aggregate classification (germline): Uncertain significance (1 of 4 stars; one submission).

Conditions:
Adams-Oliver syndrome 5 (AOS5). Identifiers: Orphanet 974, MedGen C4014970, MONDO:0014459, OMIM 616028.

Submission:

Labcorp Genetics (formerly Invitae), Labcorp
Classification: Uncertain significance for Adams-Oliver syndrome 5. Last evaluated: 2025-04-17. Review status: criteria provided, single submitter. Criteria: Invitae Variant Classification Sherloc (09022015). Collection method: clinical testing. Allele origin: germline.
Comment: This sequence change replaces arginine, which is basic and polar, with serine, which is neutral and polar, at codon 1287 of the NOTCH1 protein (p.Arg1287Ser). This variant is not present in population databases (gnomAD no frequency). This variant has not been reported in the literature in individuals affected with NOTCH1-related conditions. Invitae Evidence Modeling of protein sequence and biophysical properties (such as structural, functional, and spatial information, amino acid conservation, physicochemical variation, residue mobility, and thermodynamic stability) has been performed for this missense variant. However, the output from this modeling did not meet the statistical confidence thresholds required to predict the impact of this variant on NOTCH1 protein function. In summary, the available evidence is currently insufficient to determine the role of this variant in disease. Therefore, it has been classified as a Variant of Uncertain Significance.